The following is an entry in ClinVar:

NM_002386.4(MC1R):c.139A>G (p.Ser47Gly)

Gene: MC1R (melanocortin 1 receptor; plus strand). Cytogenetic location: 16q24.3.
Variant type: single nucleotide variant.
Coding change: c.139A>G on transcript NM_002386.4 (MANE Select); coding-DNA position 139, A replaced by G.
Protein change: p.Ser47Gly; replaces serine 47 with glycine.
Molecular consequence: missense variant.
Genome position (GRCh38, 1-based): chr16:89,919,397, A>G. VCF-style: chr16-89919397-A-G. GRCh37 (hg19) VCF-style: chr16-89985805-A-G.
Other names: c.139A>G (NM_002386.3); short protein forms S47G.
Identifiers: ClinVar variation 3706526 (VCV003706526.3).

ClinVar aggregate classification (germline): Uncertain significance. Review status: criteria provided, multiple submitters, no conflicts (2 of 4 stars). 2 submissions from 2 submitters: Uncertain significance (2). Last evaluated 2025-09-23.

Conditions:
Melanoma, cutaneous malignant, susceptibility to, 5. Also called: Cutaneous malignant melanoma 5. Identifiers: Orphanet 618, MedGen C2751295, MONDO:0013133, OMIM 613099.

Submissions (2):

Labcorp Genetics (formerly Invitae), Labcorp
Classification: Uncertain significance for Melanoma, cutaneous malignant, susceptibility to, 5. Last evaluated: 2025-09-23. Review status: criteria provided, single submitter. Criteria: Invitae Variant Classification Sherloc (09022015). Collection method: clinical testing. Allele origin: germline.
Comment: This sequence change replaces serine, which is neutral and polar, with glycine, which is neutral and non-polar, at codon 47 of the MC1R protein (p.Ser47Gly). This variant is present in population databases (no rsID available, gnomAD 0.01%). This variant has not been reported in the literature in individuals affected with MC1R-related conditions. ClinVar contains an entry for this variant (Variation ID: 3706526). Invitae Evidence Modeling of protein sequence and biophysical properties (such as structural, functional, and spatial information, amino acid conservation, physicochemical variation, residue mobility, and thermodynamic stability) indicates that this missense variant is not expected to disrupt MC1R protein function with a negative predictive value of 80%. In summary, the available evidence is currently insufficient to determine the role of this variant in disease. Therefore, it has been classified as a Variant of Uncertain Significance.

Ambry Genetics
Classification: Uncertain significance. Last evaluated: 2024-12-20. Review status: criteria provided, single submitter. Criteria: Ambry Variant Classification Scheme 2023. Collection method: clinical testing. Allele origin: germline.
Comment: The p.S47G variant (also known as c.139A>G), located in coding exon 1 of the MC1R gene, results from an A to G substitution at nucleotide position 139. The serine at codon 47 is replaced by glycine, an amino acid with similar properties. This amino acid position is conserved. In addition, this alteration is predicted to be tolerated by in silico analysis. Based on the available evidence, the clinical significance of this variant remains unclear.